The following is an entry in ClinVar:

NM_000257.4(MYH7):c.2726T>C (p.Ile909Thr)

Gene: MYH7 (myosin heavy chain 7; minus strand). Cytogenetic location: 14q11.2.
Variant type: single nucleotide variant.
Coding change: c.2726T>C on transcript NM_000257.4 (MANE Select); coding-DNA position 2726, T replaced by C.
Protein change: p.Ile909Thr; replaces isoleucine 909 with threonine.
Molecular consequence: missense variant.
Genome position (GRCh38, 1-based): chr14:23,424,103, A>G on the plus strand (T>C on the coding strand, the complement: MYH7 is on the minus strand). VCF-style: chr14-23424103-A-G. GRCh37 (hg19) VCF-style: chr14-23893312-A-G.
Other names: c.2726T>C, p.Ile909Thr (NM_001407004.1); short protein forms I909T.
Identifiers: ClinVar variation 3636028 (VCV003636028.2).

ClinVar aggregate classification (germline): Uncertain significance (1 of 4 stars; one submission).

Conditions:
Hypertrophic cardiomyopathy. Also called: HYPERTROPHIC MYOCARDIOPATHY. Identifiers: Orphanet 217569, MedGen C0007194, MeSH D002312, MONDO:0005045, HP:0001639.

Submission:

Labcorp Genetics (formerly Invitae), Labcorp
Classification: Uncertain significance for Hypertrophic cardiomyopathy. Last evaluated: 2024-02-13. Review status: criteria provided, single submitter. Criteria: Invitae Variant Classification Sherloc (09022015). Collection method: clinical testing. Allele origin: germline.
Comment: This sequence change replaces isoleucine, which is neutral and non-polar, with threonine, which is neutral and polar, at codon 909 of the MYH7 protein (p.Ile909Thr). This variant is not present in population databases (gnomAD no frequency). This variant has not been reported in the literature in individuals affected with MYH7-related conditions. Advanced modeling of protein sequence and biophysical properties (such as structural, functional, and spatial information, amino acid conservation, physicochemical variation, residue mobility, and thermodynamic stability) performed at Invitae indicates that this missense variant is expected to disrupt MYH7 protein function with a positive predictive value of 95%. In summary, the available evidence is currently insufficient to determine the role of this variant in disease. Therefore, it has been classified as a Variant of Uncertain Significance.